The following is an entry in ClinVar:

ClinVar aggregate classification (germline): Uncertain significance (1 of 4 stars; one submission).

gnomAD v4.1: 1 of 1,612,184 alleles (0.000062%); highest among the groups gnomAD compares: Non-Finnish European, 0.000085%; no homozygotes.

Submission:

Ambry Genetics
Classification: Uncertain significance. Last evaluated: 2023-06-10. Review status: criteria provided, single submitter. Criteria: Ambry Variant Classification Scheme 2023. Collection method: clinical testing. Allele origin: germline.
Comment: The p.S1055R variant (also known as c.3165C>A), located in coding exon 16 of the POLQ gene, results from a C to A substitution at nucleotide position 3165. The serine at codon 1055 is replaced by arginine, an amino acid with dissimilar properties. This amino acid position is conserved. In addition, this alteration is predicted to be tolerated by in silico analysis. Since supporting evidence is limited at this time, the clinical significance of this alteration remains unclear.

NM_199420.4(POLQ):c.3165C>A (p.Ser1055Arg)

Gene: POLQ (DNA polymerase theta; minus strand). Cytogenetic location: 3q13.33.
Variant type: single nucleotide variant.
Coding change: c.3165C>A on transcript NM_199420.4 (MANE Select); coding-DNA position 3165, C replaced by A.
Protein change: p.Ser1055Arg; replaces serine 1055 with arginine.
Molecular consequence: missense variant.
Genome position (GRCh38, 1-based): chr3:121,489,766, G>T on the plus strand (C>A on the coding strand, the complement: POLQ is on the minus strand). VCF-style: chr3-121489766-G-T. GRCh37 (hg19) VCF-style: chr3-121208613-G-T.
Other names: short protein forms S1055R.
Identifiers: ClinVar variation 2563894 (VCV002563894.2), dbSNP rs1235111193, ClinGen allele CA354101466.